The following is an entry in ClinVar:

ClinVar aggregate classification (germline): Uncertain significance (1 of 4 stars; one submission).

Conditions:
Generalized epilepsy-paroxysmal dyskinesia syndrome (PNKD3). Also called: Paroxysmal nonkinesigenic dyskinesia, 3, with or without generalized epilepsy; Generalized epilepsy and paroxysmal dyskinesia. Identifiers: Orphanet 79137, MedGen C5574945, MONDO:0012276, OMIM 609446.

Submission:

Labcorp Genetics (formerly Invitae), Labcorp
Classification: Uncertain significance for Generalized epilepsy-paroxysmal dyskinesia syndrome. Last evaluated: 2024-07-15. Review status: criteria provided, single submitter. Criteria: Invitae Variant Classification Sherloc (09022015). Collection method: clinical testing. Allele origin: germline.
Comment: This sequence change replaces isoleucine, which is neutral and non-polar, with threonine, which is neutral and polar, at codon 410 of the KCNMA1 protein (p.Ile410Thr). This variant is not present in population databases (gnomAD no frequency). This variant has not been reported in the literature in individuals affected with KCNMA1-related conditions. ClinVar contains an entry for this variant (Variation ID: 1513077). Advanced modeling of protein sequence and biophysical properties (such as structural, functional, and spatial information, amino acid conservation, physicochemical variation, residue mobility, and thermodynamic stability) performed at Invitae indicates that this missense variant is expected to disrupt KCNMA1 protein function with a positive predictive value of 80%. In summary, the available evidence is currently insufficient to determine the role of this variant in disease. Therefore, it has been classified as a Variant of Uncertain Significance.

NM_001161352.2(KCNMA1):c.1229T>C (p.Ile410Thr)

Gene: KCNMA1 (potassium calcium-activated channel subfamily M alpha 1; minus strand). Cytogenetic location: 10q22.3.
Variant type: single nucleotide variant.
Coding change: c.1229T>C on transcript NM_001161352.2 (MANE Select); coding-DNA position 1229, T replaced by C.
Protein change: p.Ile410Thr; replaces isoleucine 410 with threonine.
Molecular consequence: missense variant.
Genome position (GRCh38, 1-based): chr10:77,090,505, A>G on the plus strand (T>C on the coding strand, the complement: KCNMA1 is on the minus strand). VCF-style: chr10-77090505-A-G. GRCh37 (hg19) VCF-style: chr10-78850263-A-G.
Other names: c.1229T>C, p.Ile410Thr (NM_001014797.3, NM_001161353.2, NM_001271519.2 and 7 more transcripts); c.1067T>C, p.Ile356Thr (NM_001271518.2); c.689T>C, p.Ile230Thr (NM_001322838.2); short protein forms I356T, I410T, I230T.
Identifiers: ClinVar variation 1513077 (VCV001513077.6), dbSNP rs2153792409, ClinGen allele CA377408067.